The following is an entry in ClinVar:

NM_032608.7(MYO18B):c.1750G>A (p.Glu584Lys)

Gene: MYO18B (myosin XVIIIB; plus strand). Cytogenetic location: 22q12.1.
Variant type: single nucleotide variant.
Coding change: c.1750G>A on transcript NM_032608.7 (MANE Select); coding-DNA position 1750, G replaced by A.
Protein change: p.Glu584Lys; replaces glutamic acid 584 with lysine.
Molecular consequence: missense variant.
Genome position (GRCh38, 1-based): chr22:25,772,391, G>A. VCF-style: chr22-25772391-G-A. GRCh37 (hg19) VCF-style: chr22-26168358-G-A.
Other names: c.1750G>A, p.Glu584Lys (NM_001318245.2); short protein forms E584K.
Identifiers: ClinVar variation 1917111 (VCV001917111.4), dbSNP rs2086753998, ClinGen allele CA411005909.

ClinVar aggregate classification (germline): Uncertain significance. Review status: criteria provided, multiple submitters, no conflicts (2 of 4 stars). 2 submissions from 2 submitters: Uncertain significance (2). Last evaluated 2024-12-24.

Conditions:
Klippel-Feil anomaly-myopathy-facial dysmorphism syndrome. Also called: Klippel-feil syndrome 4, autosomal recessive, with nemaline myopathy and facial dysmorphism; Klippel-Feil syndrome 4, autosomal recessive, with myopathy and facial dysmorphism. Identifiers: Orphanet 447974, MedGen C4225285, MONDO:0014689, OMIM 616549.

Allele frequency attached by ClinVar (database versions not stated): TOPMed 0.00002; gnomAD exomes 0.00001; gnomAD 0.00001.
gnomAD v4.1: 18 of 1,613,872 alleles (0.0011%); highest among the groups gnomAD compares: South Asian, 0.0099%; no homozygotes.

Submissions (2):

Revvity Omics, Revvity
Classification: Uncertain significance for Klippel-Feil anomaly-myopathy-facial dysmorphism syndrome. Last evaluated: 2024-12-24. Review status: criteria provided, single submitter. Criteria: ACMG Guidelines, 2015. Collection method: clinical testing. Allele origin: germline.

Labcorp Genetics (formerly Invitae), Labcorp
Classification: Uncertain significance. Last evaluated: 2023-04-05. Review status: criteria provided, single submitter. Criteria: Invitae Variant Classification Sherloc (09022015). Collection method: clinical testing. Allele origin: germline.
Comment: This variant has not been reported in the literature in individuals affected with MYO18B-related conditions. This variant is not present in population databases (gnomAD no frequency). This sequence change replaces glutamic acid, which is acidic and polar, with lysine, which is basic and polar, at codon 584 of the MYO18B protein (p.Glu584Lys). ClinVar contains an entry for this variant (Variation ID: 1917111). In summary, the available evidence is currently insufficient to determine the role of this variant in disease. Therefore, it has been classified as a Variant of Uncertain Significance. An algorithm developed to predict the effect of missense changes on protein structure and function (PolyPhen-2) suggests that this variant is likely to be disruptive.